The following is an entry in ClinVar:

ClinVar aggregate classification (germline): Conflicting classifications of pathogenicity. Review status: criteria provided, conflicting classifications (1 of 4 stars). 5 submissions from 5 submitters: Pathogenic (1); Likely pathogenic (2); Uncertain significance (1). 1 of the submissions does not count toward it. Last evaluated 2026-08-06.

Conditions:
DEGCAGS syndrome. Also called: DEVELOPMENTAL DELAY WITH GASTROINTESTINAL, CARDIOVASCULAR, GENITOURINARY, AND SKELETAL ABNORMALITIES. Identifiers: MedGen C5561967, MONDO:0859181, OMIM 619488.
ZNF699-related disorder. Also called: ZNF699-related condition.

Submissions (5):

OLLIN Analises Genomicas, OLLIN
Classification: Uncertain significance for DEGCAGS syndrome. Last evaluated: 2026-08-06. Review status: criteria provided, single submitter. Criteria: ACMG Guidelines 2015 PMID 25741868. Collection method: clinical testing. Allele origin: germline.
Comment: This nonsense variant, located in exon 6 (of 6), has been reported in ClinVar (accession VCV003387784.3) and in gnomAD with an allele frequency of 0.0034%. However, to our knowledge, it has not been reported in the scientific literature. This variant introduces a premature stop codon, which is predicted to result in either a truncated protein or degradation of the mRNA via nonsense-mediated decay (NMD). According to the currently available evidence, this variant has been classified as uncertain significance (PVS1_S, PM2_P).

Dasa
Classification: Likely pathogenic. Last evaluated: 2026-01-09. Review status: criteria provided, single submitter. Criteria: DASA Assertion Criteria. Collection method: clinical testing. Allele origin: germline.
Comment: NM_198535.3(ZNF699):c.1327C>T (p.Arg443*) is a nonsense variant in ZNF699 predicted to introduce a premature termination codon and is predicted to result in an absent or altered protein product. Loss of function is an established disease mechanism for ZNF699-associated disorders. This variant has been reported in individuals with ZNF699-related disorders (PMID: 35205213). Also, this variant is rare in population databases. Based on the currently available evidence, this variant is classified as likely pathogenic.

Blueprint Genetics
Classification: Pathogenic for ZNF699-related disorders. Last evaluated: 2024-06-10. Review status: criteria provided, single submitter. Criteria: ACMG Guidelines, 2015. Collection method: clinical testing. Allele origin: germline. Affected: yes. Observed: 5 variant alleles.

Laboratorio de Genetica e Diagnostico Molecular, Hospital Israelita Albert Einstein
Classification: Likely pathogenic for DEGCAGS syndrome. Last evaluated: 2024-02-18. Review status: criteria provided, single submitter. Criteria: ACMG Guidelines, 2015. Collection method: clinical testing. Allele origin: germline. Affected: yes.
Comment: ACMG classification criteria: PVS1 strong, PM2 supporting, PM3 moderate

OMIM
Classification: Pathogenic for DEGCAGS SYNDROME. Last evaluated: 2024-12-13. Review status: no assertion criteria provided. Collection method: literature only. Allele origin: germline. Not counted in ClinVar's aggregate classification.

Literature cited by the submitters: PubMed 35205213 (cited by Dasa and OMIM).

NM_198535.3(ZNF699):c.1327C>T (p.Arg443Ter)

Gene: ZNF699 (zinc finger protein 699; minus strand). Cytogenetic location: 19p13.2.
Variant type: single nucleotide variant.
Coding change: c.1327C>T on transcript NM_198535.3 (MANE Select); coding-DNA position 1327, C replaced by T.
Protein change: p.Arg443Ter; replaces arginine 443 with a stop codon.
Molecular consequence: nonsense.
Genome position (GRCh38, 1-based): chr19:9,296,077, G>A on the plus strand (C>T on the coding strand, the complement: ZNF699 is on the minus strand). VCF-style: chr19-9296077-G-A. GRCh37 (hg19) VCF-style: chr19-9406753-G-A.
Other names: short protein forms R443*.
Identifiers: ClinVar variation 3387784 (VCV003387784.6).
Genomic context (GRCh38, chr19:9,296,077, plus strand): 5'-TAAAGGACGAGGGACAACTAAAGGCCTTCCCACATTCCTTACATTCATAGGGTTTCTCTC[G>A]ACTTTGATTTTTCACATGTGTATTAAGGGAAGTGGGAAGGTAGAAGGCCTTTCCACATTC-3'